The following is an entry in ClinVar:

NM_023110.3(FGFR1):c.*994T>C

Genes: FGFR1 (fibroblast growth factor receptor 1; minus strand), LOC102723716 (uncharacterized LOC102723716; minus strand). Cytogenetic location: 8p11.23.
Variant type: single nucleotide variant.
Coding change: c.*994T>C on transcript NM_023110.3 (MANE Select); 994 bases downstream of the stop codon, T replaced by C.
Molecular consequence: 3 prime UTR variant. On other transcripts: intron variant (3).
Genome position (GRCh38, 1-based): chr8:38,412,634, A>G on the plus strand (T>C on the coding strand, the complement: FGFR1 is on the minus strand). VCF-style: chr8-38412634-A-G. GRCh37 (hg19) VCF-style: chr8-38270152-A-G.
Other names: c.*994T>C (NM_001174063.2, NM_001174064.2, NM_001174065.2 and 6 more transcripts); c.2020-39T>C (NM_001354370.2); c.2287-39T>C (NM_001354367.2); c.2281-39T>C (NM_001354369.2).
Identifiers: ClinVar variation 908760 (VCV000908760.5), dbSNP rs17176081, ClinGen allele CA175136571.

ClinVar aggregate classification (germline): Benign. Review status: criteria provided, multiple submitters, no conflicts (2 of 4 stars). 5 submissions from 2 submitters: Benign (5). Last evaluated 2018-01-13.

Conditions:
Craniosynostosis syndrome. Also called: Craniosynostosis. Identifiers: Orphanet 1531, MedGen C0010278, MeSH D003398, MONDO:0015469, HP:0001363.
Hypogonadotropic hypogonadism 2 with or without anosmia (HH2). Also called: HYPOGONADOTROPIC HYPOGONADISM 2 WITHOUT ANOSMIA; HYPOGONADOTROPIC HYPOGONADISM 2 WITH OR WITHOUT ANOSMIA, SUSCEPTIBILITY TO; HYPOGONADOTROPIC HYPOGONADISM 2 WITHOUT ANOSMIA, SUSCEPTIBILITY TO; FGFR1-Related GnRH Deficiency (Kallmann Syndrome 2). Identifiers: Orphanet 478, MedGen C1563720, MONDO:0007844, OMIM 147950. Disease mechanism: loss of function.
Trigonocephaly 1 (TRIGNO1). Identifiers: Orphanet 3366, MedGen C0432122, MONDO:0008603, OMIM 190440.
Osteoglophonic dysplasia (OGD). Also called: Osteoglophonic dwarfism. Identifiers: Orphanet 2645, MedGen C0432283, MONDO:0008150, OMIM 166250.

Allele frequency attached by ClinVar (database versions not stated): 1000 Genomes Project 30x 0.00172; 1000 Genomes Project 0.00220; gnomAD 0.00248 and 0.00273; TOPMed 0.00268.
gnomAD v4.1: 435 of 233,748 alleles (0.19%); highest among the groups gnomAD compares: African/African-American, 0.83%; 1 homozygote.

Submissions (5):

Illumina Laboratory Services, Illumina
Classification: Benign for Craniosynostosis. Last evaluated: 2018-01-13. Review status: criteria provided, single submitter. Criteria: ICSL Variant Classification Criteria 13 December 2019. Collection method: clinical testing. Allele origin: germline.
Comment: This variant was observed in the ICSL laboratory as part of a predisposition screen in an ostensibly healthy population. It had not been previously curated by ICSL or reported in the Human Gene Mutation Database (HGMD: prior to June 1st, 2018), and was therefore a candidate for classification through an automated scoring system. Utilizing variant allele frequency, disease prevalence and penetrance estimates, and inheritance mode, an automated score was calculated to assess if this variant is too frequent to cause the disease. Based on the score and internal cut-off values, a variant classified as benign is not then subjected to further curation. The score for this variant resulted in a classification of benign for this disease.

Illumina Laboratory Services, Illumina
Classification: Benign for Osteoglophonic dysplasia. Last evaluated: 2018-01-13. Review status: criteria provided, single submitter. Criteria: ICSL Variant Classification Criteria 13 December 2019. Collection method: clinical testing. Allele origin: germline.
Comment: the same text as in the submission from Illumina Laboratory Services, Illumina above.

Illumina Laboratory Services, Illumina
Classification: Benign for Hypogonadotropic hypogonadism 2 with or without anosmia. Last evaluated: 2018-01-13. Review status: criteria provided, single submitter. Criteria: ICSL Variant Classification Criteria 13 December 2019. Collection method: clinical testing. Allele origin: germline.
Comment: the same text as in the submission from Illumina Laboratory Services, Illumina above.

Illumina Laboratory Services, Illumina
Classification: Benign for Trigonocephaly 1. Last evaluated: 2018-01-13. Review status: criteria provided, single submitter. Criteria: ICSL Variant Classification Criteria 13 December 2019. Collection method: clinical testing. Allele origin: germline.
Comment: the same text as in the submission from Illumina Laboratory Services, Illumina above.

Breakthrough Genomics
Classification: Benign. Review status: criteria provided, single submitter. Criteria: ACMG Guidelines, 2015. Collection method: not provided. Allele origin: germline. Inheritance: Autosomal dominant inheritance. Affected: yes.